The following is an entry in ClinVar:

NM_194454.3(KRIT1):c.1563+1G>A

Gene: KRIT1 (KRIT1 ankyrin repeat containing; minus strand). Cytogenetic location: 7q21.2.
Variant type: single nucleotide variant.
Coding change: c.1563+1G>A on transcript NM_194454.3 (MANE Select); the canonical splice donor site of the intron after coding-DNA position 1563, G replaced by A.
Molecular consequence: splice donor variant.
Genome position (GRCh38, 1-based): chr7:92,221,901, C>T on the plus strand (G>A on the coding strand, the complement: KRIT1 is on the minus strand). VCF-style: chr7-92221901-C-T. GRCh37 (hg19) VCF-style: chr7-91851215-C-T.
Other names: c.1563+1G>A (NM_001350674.1, NM_001350680.1, NM_001350678.1 and 26 more transcripts); c.1419+1G>A (NM_001350669.1, NM_001013406.2, NM_001350670.1); c.849+1G>A (NM_001350671.1).
Identifiers: ClinVar variation 590711 (VCV000590711.9), dbSNP rs549591728, ClinGen allele CA4339088.
Genomic context (GRCh38, chr7:92,221,901, plus strand): 5'-CAATAGAAACTCAACAGATTTTGTGCATTTAAATAACTGTAAATAAGATTTCCAAGCAAA[C>T]CTGTTTTTCAACTTCCAAGGGAAGTCTCACATCTCTTCTTAGAAAAAGCTGAGGTGTTTC-3'

ClinVar aggregate classification (germline): Pathogenic. Review status: criteria provided, multiple submitters, no conflicts (2 of 4 stars). 3 submissions from 3 submitters: Pathogenic (3). Last evaluated 2023-11-07.

Conditions:
Cerebral cavernous malformation (CCM). Also called: Cavernous Hemangioma of Brain; Cerebral cavernous hemangioma (type); Cerebral cavernous malformations; CAVERNOUS ANGIOMA, FAMILIAL; CAVERNOUS ANGIOMATOUS MALFORMATIONS; CEREBRAL CAPILLARY MALFORMATIONS. Identifiers: Orphanet 221061, MedGen C2919945, MONDO:0000820, OMIM 116860, HP:0033522.

Allele frequency attached by ClinVar (database versions not stated): gnomAD exomes below 0.00001; ExAC 0.00001; gnomAD 0.00001; 1000 Genomes Project 30x 0.00016; 1000 Genomes Project 0.00020.
gnomAD v4.1: 3 of 1,613,088 alleles (0.00019%); highest among the groups gnomAD compares: Admixed American, 0.0017%; no homozygotes.

Submissions (3):

Labcorp Genetics (formerly Invitae), Labcorp
Classification: Pathogenic for Cerebral cavernous malformation. Last evaluated: 2023-11-07. Review status: criteria provided, single submitter. Criteria: Invitae Variant Classification Sherloc (09022015). Collection method: clinical testing. Allele origin: germline.
Comment: This sequence change affects a donor splice site in intron 15 of the KRIT1 gene. It is expected to disrupt RNA splicing. Variants that disrupt the donor or acceptor splice site typically lead to a loss of protein function (PMID: 16199547), and loss-of-function variants in KRIT1 are known to be pathogenic (PMID: 10508515, 11222804, 12404106, 24689081). This variant is present in population databases (rs549591728, gnomAD 0.003%). Disruption of this splice site has been observed in individuals with cerebral cavernous malformations (PMID: 27792856; Invitae). ClinVar contains an entry for this variant (Variation ID: 590711). Algorithms developed to predict the effect of sequence changes on RNA splicing suggest that this variant may disrupt the consensus splice site. For these reasons, this variant has been classified as Pathogenic.

GeneDx
Classification: Pathogenic. Last evaluated: 2022-09-27. Review status: criteria provided, single submitter. Criteria: GeneDx Variant Classification Process June 2021. Collection method: clinical testing. Allele origin: germline. Affected: yes.
Comment: Canonical splice site variant in a gene for which loss-of-function is a known mechanism of disease; Not observed at a significant frequency in large population cohorts (gnomAD); This variant is associated with the following publications: (PMID: 27792856)

PreventionGenetics, part of Exact Sciences
Classification: Pathogenic. Last evaluated: 2018-03-26. Review status: criteria provided, single submitter. Criteria: ACMG Guidelines, 2015. Collection method: clinical testing. Allele origin: germline.

Literature cited by the submitters: PubMed 16199547 (cited by Labcorp Genetics (formerly Invitae), Labcorp); PubMed 10508515 (cited by Labcorp Genetics (formerly Invitae), Labcorp); PubMed 11222804 (cited by Labcorp Genetics (formerly Invitae), Labcorp); PubMed 12404106 (cited by Labcorp Genetics (formerly Invitae), Labcorp); PubMed 24689081 (cited by Labcorp Genetics (formerly Invitae), Labcorp); PubMed 27792856 (cited by Labcorp Genetics (formerly Invitae), Labcorp).